The following is an entry in ClinVar:

NM_015978.3(TNNI3K):c.1667+3A>G

Genes: FPGT-TNNI3K (FPGT-TNNI3K readthrough; plus strand), TNNI3K (TNNI3 interacting kinase; plus strand). Cytogenetic location: 1p31.1.
Variant type: single nucleotide variant.
Coding change: c.1667+3A>G on transcript NM_015978.3 (MANE Select); 3 bases into the intron after coding-DNA position 1667, A replaced by G.
Molecular consequence: intron variant.
Genome position (GRCh38, 1-based): chr1:74,369,588, A>G. VCF-style: chr1-74369588-A-G. GRCh37 (hg19) VCF-style: chr1-74835272-A-G.
Other names: c.1970+3A>G (NM_001112808.3, NM_001199327.2).
Identifiers: ClinVar variation 1921271 (VCV001921271.5), dbSNP rs1046780856, ClinGen allele CA24545280.

ClinVar aggregate classification (germline): Uncertain significance (1 of 4 stars; one submission).

Allele frequency attached by ClinVar (database versions not stated): gnomAD 0.00001; TOPMed 0.00001.
gnomAD v4.1: 5 of 1,598,108 alleles (0.00031%); highest among the groups gnomAD compares: African/African-American, 0.0067%; no homozygotes.

Submission:

Labcorp Genetics (formerly Invitae), Labcorp
Classification: Uncertain significance. Last evaluated: 2025-10-25. Review status: criteria provided, single submitter. Criteria: Invitae Variant Classification Sherloc (09022015). Collection method: clinical testing. Allele origin: germline.
Comment: This sequence change falls in intron 16 of the TNNI3K gene. It does not directly change the encoded amino acid sequence of the TNNI3K protein. It affects a nucleotide within the consensus splice site. This variant is not present in population databases (gnomAD no frequency). This variant has not been reported in the literature in individuals affected with TNNI3K-related conditions. ClinVar contains an entry for this variant (Variation ID: 1921271). Variants that disrupt the consensus splice site are a relatively common cause of aberrant splicing (PMID: 17576681, 9536098). Algorithms developed to predict the effect of sequence changes on RNA splicing suggest that this variant may disrupt the consensus splice site. In summary, the available evidence is currently insufficient to determine the role of this variant in disease. Therefore, it has been classified as a Variant of Uncertain Significance.

Literature cited by the submitters: PubMed 17576681; PubMed 9536098.